The following is an entry in ClinVar:

ClinVar aggregate classification (germline): Uncertain significance. Review status: criteria provided, multiple submitters, no conflicts (2 of 4 stars). 2 submissions from 2 submitters: Uncertain significance (2). Last evaluated 2025-08-25.

Conditions:
Cardiovascular phenotype. Identifiers: MedGen CN230736.
Hereditary cancer-predisposing syndrome. Also called: Tumor predisposition; Neoplastic Syndromes, Hereditary; Hereditary neoplastic syndrome; Hereditary Cancer Syndrome. Identifiers: Orphanet 140162, MedGen C0027672, MeSH D009386, MONDO:0015356.

gnomAD v4.1: 6 of 1,613,588 alleles (0.00037%); highest among the groups gnomAD compares: African/African-American, 0.0013%; no homozygotes.

Submissions (2):

Labcorp Genetics (formerly Invitae), Labcorp
Classification: Uncertain significance. Last evaluated: 2025-08-25. Review status: criteria provided, single submitter. Criteria: Invitae Variant Classification Sherloc (09022015). Collection method: clinical testing. Allele origin: germline.
Comment: This sequence change replaces methionine, which is neutral and non-polar, with isoleucine, which is neutral and non-polar, at codon 202 of the LZTR1 protein (p.Met202Ile). This variant is present in population databases (rs768321121, gnomAD 0.007%). This variant has not been reported in the literature in individuals affected with LZTR1-related conditions. Invitae Evidence Modeling of protein sequence and biophysical properties (such as structural, functional, and spatial information, amino acid conservation, physicochemical variation, residue mobility, and thermodynamic stability) indicates that this missense variant is not expected to disrupt LZTR1 protein function with a negative predictive value of 80%. In summary, the available evidence is currently insufficient to determine the role of this variant in disease. Therefore, it has been classified as a Variant of Uncertain Significance.

Ambry Genetics
Classification: Uncertain significance for Cardiovascular phenotype; Hereditary cancer-predisposing syndrome. Last evaluated: 2025-07-10. Review status: criteria provided, single submitter. Criteria: Ambry Variant Classification Scheme 2023. Collection method: clinical testing. Allele origin: germline.
Comment: The p.M202I variant (also known as c.606G>A), located in coding exon 7 of the LZTR1 gene, results from a G to A substitution at nucleotide position 606. The methionine at codon 202 is replaced by isoleucine, an amino acid with highly similar properties. This amino acid position is conserved. In addition, the in silico prediction for this alteration is inconclusive. Based on the available evidence, the clinical significance of this variant remains unclear.

NM_006767.4(LZTR1):c.606G>A (p.Met202Ile)

Gene: LZTR1 (leucine zipper like post translational regulator 1; plus strand). Cytogenetic location: 22q11.21.
Variant type: single nucleotide variant.
Coding change: c.606G>A on transcript NM_006767.4 (MANE Select); coding-DNA position 606, G replaced by A.
Protein change: p.Met202Ile; replaces methionine 202 with isoleucine.
Molecular consequence: missense variant.
Genome position (GRCh38, 1-based): chr22:20,989,637, G>A. VCF-style: chr22-20989637-G-A. GRCh37 (hg19) VCF-style: chr22-21343926-G-A.
Other names: short protein forms M202I.
Identifiers: ClinVar variation 4101894 (VCV004101894.2).
Genomic context (GRCh38, chr22:20,989,637, plus strand): 5'-CCCTGACCACCAGACCCAAGGGGTCCTCACTGGTCTGTCCTAATACAGGTTGAATGACAT[G>A]TGGACAATTGGCCTCCAGGACCGAGAGCTCACCTGCTGGGAGGAGGTGAGGGGCGTGGGG-3'
Protein context (NP_006758.2, residues 192-212): GYDGNARLND[Met202Ile]WTIGLQDREL